The following is an entry in ClinVar:

NM_000321.3(RB1):c.1726_1729del (p.Ser576fs)

Gene: RB1 (RB transcriptional corepressor 1; plus strand). Cytogenetic location: 13q14.2.
Variant type: Deletion.
Coding change: c.1726_1729del on transcript NM_000321.3 (MANE Select); coding-DNA positions 1726 to 1729, 4 bases deleted (TCAA; older notation c.1726_1729delTCAA).
Protein change: p.Ser576fs; shifts the reading frame from serine 576.
Molecular consequence: frameshift variant.
Genome position (GRCh38, 1-based): chr13:48,453,023-48,453,026, TCAA deleted; deleting any 4 consecutive bases within chr13:48,453,020-48,453,026 gives the same sequence; the c. name uses the placement nearest the transcript's 3' end. VCF-style (leftmost placement, unchanged base first): chr13-48453019-ACAAT-A. GRCh37 (hg19) VCF-style: chr13-49027155-ACAAT-A.
Other names: c.1726_1729delTCAA, p.Ser576Argfs (NM_001407165.1); c.1726_1729del (NM_000321.2); short protein forms S576fs.
Identifiers: ClinVar variation 1778860 (VCV001778860.4), dbSNP rs2542360661, ClinGen allele CA645571588.

ClinVar aggregate classification (germline): Pathogenic. Review status: criteria provided, multiple submitters, no conflicts (2 of 4 stars). 3 submissions from 3 submitters: Pathogenic (3). Last evaluated 2025-08-14.

Conditions:
Hereditary cancer-predisposing syndrome. Also called: Neoplastic Syndromes, Hereditary; Tumor predisposition; Hereditary Cancer Syndrome; Hereditary neoplastic syndrome. Identifiers: Orphanet 140162, MedGen C0027672, MeSH D009386, MONDO:0015356.
Retinoblastoma (RB1). Also called: RETINOBLASTOMA, SOMATIC. Identifiers: Orphanet 790, MedGen C0035335, MeSH D012175, MONDO:0008380, OMIM 180200, HP:0009919. Disease mechanism: loss of function. Inheritance: Both sporadic and heritable forms are tested..

Submissions (3):

GeneDx
Classification: Pathogenic. Last evaluated: 2025-08-14. Review status: criteria provided, single submitter. Criteria: GeneDx Variant Classification Process June 2021. Collection method: clinical testing. Allele origin: germline. Affected: yes.
Comment: Frameshift variant predicted to result in protein truncation or nonsense mediated decay in a gene for which loss of function is a known mechanism of disease; Not observed at significant frequency in large population cohorts (gnomAD); This variant is associated with the following publications: (PMID: 28137276, 9311732, 16682285)

Genetic Diagnostic Laboratory, University of Pennsylvania School of Medicine
Classification: Pathogenic for Retinoblastoma. Last evaluated: 2024-05-20. Review status: criteria provided, single submitter. Criteria: ACMG Guidelines, 2015. Collection method: clinical testing. Allele origin: germline. Affected: yes. Observed: 1 variant allele.
Comment: Case and Pedigree Information: BILATERAL CASES:1, UNILATERAL CASES:0, TOTAL CASES:1, PEDIGREES:1. ACMG Codes Applied:PVS1, PM2

Ambry Genetics
Classification: Pathogenic for Hereditary cancer-predisposing syndrome. Last evaluated: 2024-02-02. Review status: criteria provided, single submitter. Criteria: Ambry Variant Classification Scheme 2023. Collection method: clinical testing. Allele origin: germline.
Comment: The c.1726_1729delTCAA pathogenic mutation, located in coding exon 18 of the RB1 gene, results from a deletion of 4 nucleotides at nucleotide positions 1726 to 1729, causing a translational frameshift with a predicted alternate stop codon (p.S576Rfs*34). This variant is considered to be rare based on population cohorts in the Genome Aggregation Database (gnomAD). This alteration is expected to result in loss of function by premature protein truncation or nonsense-mediated mRNA decay. As such, this alteration is interpreted as a disease-causing mutation.

Literature cited by the submitters: PubMed 16682285 (cited by Ambry Genetics); PubMed 28137276 (cited by Ambry Genetics); PubMed 9311732 (cited by Ambry Genetics).